The following is an entry in ClinVar:

NM_145698.5(ACBD5):c.986G>A (p.Gly329Asp)

Gene: ACBD5 (acyl-CoA binding domain containing 5; minus strand). Cytogenetic location: 10p12.1.
Variant type: single nucleotide variant.
Coding change: c.986G>A on transcript NM_145698.5 (MANE Select); coding-DNA position 986, G replaced by A.
Protein change: p.Gly329Asp; replaces glycine 329 with aspartic acid.
Molecular consequence: missense variant.
Genome position (GRCh38, 1-based): chr10:27,211,032, C>T on the plus strand (G>A on the coding strand, the complement: ACBD5 is on the minus strand). VCF-style: chr10-27211032-C-T. GRCh37 (hg19) VCF-style: chr10-27499961-C-T.
Other names: c.881G>A, p.Gly294Asp (NM_001042473.4, NM_001352578.2, NM_001352579.2 and 1 more transcripts); c.980G>A, p.Gly327Asp (NM_001271512.3); c.659G>A, p.Gly220Asp (NM_001301251.2, NM_001301252.2, NM_001301253.2 and 2 more transcripts); c.455G>A, p.Gly152Asp (NM_001301254.2); c.827G>A, p.Gly276Asp (NM_001352580.2); c.815G>A, p.Gly272Asp (NM_001352581.1); c.677G>A, p.Gly226Asp (NM_001352582.2); c.692G>A, p.Gly231Asp (NM_001352585.1); and 10 more; short protein forms G261D, G270D, G327D, G336D, G338D, G152D, G220D, G226D.
Identifiers: ClinVar variation 1965605 (VCV001965605.5), dbSNP rs1220465108, ClinGen allele CA376374143.

ClinVar aggregate classification (germline): Uncertain significance (1 of 4 stars; one submission).

gnomAD v4.1: 17 of 1,614,092 alleles (0.0011%); highest among the groups gnomAD compares: Non-Finnish European, 0.0013%; no homozygotes.

Submission:

Labcorp Genetics (formerly Invitae), Labcorp
Classification: Uncertain significance. Last evaluated: 2022-06-14. Review status: criteria provided, single submitter. Criteria: Invitae Variant Classification Sherloc (09022015). Collection method: clinical testing. Allele origin: germline.
Comment: In summary, the available evidence is currently insufficient to determine the role of this variant in disease. Therefore, it has been classified as a Variant of Uncertain Significance. Algorithms developed to predict the effect of missense changes on protein structure and function output the following: SIFT: "Tolerated"; PolyPhen-2: "Benign"; Align-GVGD: "Class C0". The aspartic acid amino acid residue is found in multiple mammalian species, which suggests that this missense change does not adversely affect protein function. This variant has not been reported in the literature in individuals affected with ACBD5-related conditions. This variant is not present in population databases (gnomAD no frequency). This sequence change replaces glycine, which is neutral and non-polar, with aspartic acid, which is acidic and polar, at codon 329 of the ACBD5 protein (p.Gly329Asp).